The following is an entry in ClinVar:

NM_001005361.3(DNM2):c.161+122C>A

Genes: DNM2 (dynamin 2; plus strand), LOC130063529 (ATAC-STARR-seq lymphoblastoid silent region 10090; plus strand). Cytogenetic location: 19p13.2.
Variant type: single nucleotide variant.
Coding change: c.161+122C>A on transcript NM_001005361.3 (MANE Select); 122 bases into the intron after coding-DNA position 161, C replaced by A.
Molecular consequence: intron variant.
Genome position (GRCh38, 1-based): chr19:10,718,525, C>A. VCF-style: chr19-10718525-C-A. GRCh37 (hg19) VCF-style: chr19-10829201-C-A.
Other names: c.161+122C>A (NM_001005360.3, NM_001190716.2, NM_004945.4 and 1 more transcripts).
Identifiers: ClinVar variation 676285 (VCV000676285.2), dbSNP rs116956287, ClinGen allele CA9200698.
Genomic context (GRCh38, chr19:10,718,525, plus strand): 5'-GAATGGCGCGCCGTGCGCCGCCGGCGTAACTGCGGCGCTTGCGTGCCCGCGGCGGGGAAC[C>A]GGACGGGGTCGGGGAGGCGGGCCCTGTGGGACGCCCTGGGCAGAGGACTCCCTGCAGGGG-3'

ClinVar aggregate classification (germline): Likely benign. Review status: criteria provided, multiple submitters, no conflicts (2 of 4 stars). 2 submissions from 2 submitters: Likely benign (2). Last evaluated 2018-06-14.

Allele frequency attached by ClinVar (database versions not stated): ExAC below 0.00001; gnomAD exomes 0.02756; gnomAD 0.02972 and 0.03236; TOPMed 0.03244; 1000 Genomes Project 30x 0.04513; 1000 Genomes Project 0.04692.
gnomAD v4.1: 47,148 of 1,232,024 alleles (3.8%); highest among the groups gnomAD compares: South Asian, 11%; 1,085 homozygotes.

Submissions (2):

GeneDx
Classification: Likely benign. Last evaluated: 2018-06-14. Review status: criteria provided, single submitter. Criteria: GeneDx Variant Classification (06012015). Collection method: clinical testing. Allele origin: germline. Affected: yes.
Comment: This variant is considered likely benign or benign based on one or more of the following criteria: it is a conservative change, it occurs at a poorly conserved position in the protein, it is predicted to be benign by multiple in silico algorithms, and/or has population frequency not consistent with disease.

Breakthrough Genomics
Classification: Likely benign. Review status: criteria provided, single submitter. Criteria: ACMG Guidelines, 2015. Collection method: not provided. Allele origin: germline. Inheritance: Autosomal recessive inheritance. Affected: yes.